The following is an entry in ClinVar:

ClinVar aggregate classification (germline): Uncertain significance (1 of 4 stars; one submission).

Conditions:
Brugada syndrome. Also called: Sudden unexplained nocturnal death syndrome; Sudden unexpected nocturnal death syndrome; Sudden Unexplained Death Syndrome; Sudden Unexplained Nocturnal Death Syndrome (SUNDS). Identifiers: Orphanet 130, MedGen C1142166, MONDO:0015263.

Allele frequency attached by ClinVar (database versions not stated): TOPMed below 0.00001; gnomAD 0.00001; gnomAD exomes 0.00043; ExAC 0.00062.
gnomAD v4.1: 14 of 127,734 alleles (0.011%); highest among the groups gnomAD compares: South Asian, 0.25%; no homozygotes.

Submission:

Labcorp Genetics (formerly Invitae), Labcorp
Classification: Uncertain significance for Brugada syndrome. Last evaluated: 2022-03-18. Review status: criteria provided, single submitter. Criteria: Invitae Variant Classification Sherloc (09022015). Collection method: clinical testing. Allele origin: germline.
Comment: In summary, the available evidence is currently insufficient to determine the role of this variant in disease. Therefore, it has been classified as a Variant of Uncertain Significance. This sequence change falls in intron 7 of the CACNA2D1 gene. It does not directly change the encoded amino acid sequence of the CACNA2D1 protein. It affects a nucleotide within the consensus splice site. The frequency data for this variant in the population databases is considered unreliable, as metrics indicate poor data quality at this position in the gnomAD database. This variant has not been reported in the literature in individuals affected with CACNA2D1-related conditions. ClinVar contains an entry for this variant (Variation ID: 1021012). Variants that disrupt the consensus splice site are a relatively common cause of aberrant splicing (PMID: 17576681, 9536098). Algorithms developed to predict the effect of sequence changes on RNA splicing suggest that this variant is not likely to affect RNA splicing.

Literature cited by the submitters: PubMed 17576681; PubMed 9536098.

NM_000722.4(CACNA2D1):c.659-3T>C

Gene: CACNA2D1 (calcium voltage-gated channel auxiliary subunit alpha2delta 1; minus strand). Cytogenetic location: 7q21.11.
Variant type: single nucleotide variant.
Coding change: c.659-3T>C on transcript NM_000722.4 (MANE Select); 3 bases into the intron before coding-DNA position 659, T replaced by C.
Molecular consequence: intron variant.
Genome position (GRCh38, 1-based): chr7:82,066,527, A>G on the plus strand (T>C on the coding strand, the complement: CACNA2D1 is on the minus strand). VCF-style: chr7-82066527-A-G. GRCh37 (hg19) VCF-style: chr7-81695843-A-G.
Other names: c.659-3T>C (NM_001366867.1, NM_001302890.2).
Identifiers: ClinVar variation 1021012 (VCV001021012.8), dbSNP rs770300395, ClinGen allele CA4318273.